The following is an entry in ClinVar:

ClinVar aggregate classification (germline): Benign/Likely benign. Review status: criteria provided, multiple submitters, no conflicts (2 of 4 stars). 5 submissions from 5 submitters: Benign (1); Likely benign (4). Last evaluated 2026-01-27.

Allele frequency attached by ClinVar (database versions not stated): 1000 Genomes Project 0.01118; 1000 Genomes Project 30x 0.01171; TOPMed 0.02296; gnomAD exomes 0.02736; ExAC 0.02924; ESP Exome Variant Server 0.02929.
gnomAD v4.1: 59,120 of 1,613,524 alleles (3.7%); highest among the groups gnomAD compares: Non-Finnish European, 4.4%; 1,333 homozygotes.

Submissions (5):

Labcorp Genetics (formerly Invitae), Labcorp
Classification: Benign. Last evaluated: 2026-01-27. Review status: criteria provided, single submitter. Criteria: Invitae Variant Classification Sherloc (09022015). Collection method: clinical testing. Allele origin: germline.

Mayo Clinic Laboratories, Mayo Clinic
Classification: Likely benign. Last evaluated: 2025-10-13. Review status: criteria provided, single submitter. Criteria: ACMG Guidelines, 2015. Collection method: clinical testing. Allele origin: germline. Observed: 10 variant alleles.
Comment: BS2, BP4_moderate

Blueprint Genetics
Classification: Likely benign. Last evaluated: 2024-11-26. Review status: criteria provided, single submitter. Criteria: ACMG Guidelines, 2015. Collection method: clinical testing. Allele origin: germline.

GeneDx
Classification: Likely benign. Last evaluated: 2022-11-01. Review status: criteria provided, single submitter. Criteria: GeneDx Variant Classification Process June 2021. Collection method: clinical testing. Allele origin: germline. Affected: yes.
Comment: See Variant Classification Assertion Criteria.

Breakthrough Genomics
Classification: Likely benign. Review status: criteria provided, single submitter. Criteria: ACMG Guidelines, 2015. Collection method: not provided. Allele origin: germline. Inheritance: Autosomal dominant inheritance. Affected: yes.

Literature cited by the submitters: PubMed 21255775 (cited by Mayo Clinic Laboratories, Mayo Clinic).

NM_018417.6(ADCY10):c.4058C>T (p.Pro1353Leu)

Gene: ADCY10 (adenylate cyclase 10; minus strand). Cytogenetic location: 1q24.2.
Variant type: single nucleotide variant.
Coding change: c.4058C>T on transcript NM_018417.6 (MANE Select); coding-DNA position 4058, C replaced by T.
Protein change: p.Pro1353Leu; replaces proline 1353 with leucine.
Molecular consequence: missense variant.
Genome position (GRCh38, 1-based): chr1:167,823,118, G>A on the plus strand (C>T on the coding strand, the complement: ADCY10 is on the minus strand). VCF-style: chr1-167823118-G-A. GRCh37 (hg19) VCF-style: chr1-167792356-G-A.
Other names: p.Pro1353Leu; c.3599C>T, p.Pro1200Leu (NM_001167749.3); c.3782C>T, p.Pro1261Leu (NM_001297772.2); short protein forms P1200L, P1261L, P1353L.
Identifiers: ClinVar variation 1164871 (VCV001164871.12), dbSNP rs72697797, ClinGen allele CA1227155.